The following is an entry in ClinVar:

NM_006946.4(SPTBN2):c.3688G>A (p.Gly1230Arg)

Gene: SPTBN2 (spectrin beta, non-erythrocytic 2; minus strand). Cytogenetic location: 11q13.2.
Variant type: single nucleotide variant.
Coding change: c.3688G>A on transcript NM_006946.4 (MANE Select); coding-DNA position 3688, G replaced by A.
Protein change: p.Gly1230Arg; replaces glycine 1230 with arginine.
Molecular consequence: missense variant.
Genome position (GRCh38, 1-based): chr11:66,699,494, C>T on the plus strand (G>A on the coding strand, the complement: SPTBN2 is on the minus strand). VCF-style: chr11-66699494-C-T. GRCh37 (hg19) VCF-style: chr11-66466965-C-T.
Other names: c.3709G>A, p.Gly1237Arg (NM_001411025.1); short protein forms G1230R, G1237R.
Identifiers: ClinVar variation 2642002 (VCV002642002.27), dbSNP rs773523389, ClinGen allele CA6128799.

ClinVar aggregate classification (germline): Uncertain significance. Review status: criteria provided, multiple submitters, no conflicts (2 of 4 stars). 2 submissions from 2 submitters: Uncertain significance (2). Last evaluated 2023-05-01.

Allele frequency attached by ClinVar (database versions not stated): gnomAD exomes below 0.00001; ExAC 0.00001; gnomAD 0.00001.
gnomAD v4.1: 4 of 1,614,050 alleles (0.00025%); highest among the groups gnomAD compares: East Asian, 0.0022%; no homozygotes.

Submissions (2):

CeGaT Center for Human Genetics Tuebingen
Classification: Uncertain significance. Last evaluated: 2023-05-01. Review status: criteria provided, single submitter. Criteria: CeGaT Center For Human Genetics Tuebingen Variant Classification Criteria Version 2. Collection method: clinical testing. Allele origin: germline. Affected: yes. Observed: 1 variant allele.
Comment: SPTBN2: PM2, BP4

Labcorp Genetics (formerly Invitae), Labcorp
Classification: Uncertain significance. Last evaluated: 2023-04-07. Review status: criteria provided, single submitter. Criteria: Invitae Variant Classification Sherloc (09022015). Collection method: clinical testing. Allele origin: germline.
Comment: This sequence change replaces glycine, which is neutral and non-polar, with arginine, which is basic and polar, at codon 1230 of the SPTBN2 protein (p.Gly1230Arg). This variant is present in population databases (rs773523389, gnomAD 0.006%). This variant has not been reported in the literature in individuals affected with SPTBN2-related conditions. Advanced modeling of protein sequence and biophysical properties (such as structural, functional, and spatial information, amino acid conservation, physicochemical variation, residue mobility, and thermodynamic stability) has been performed at Invitae for this missense variant, however the output from this modeling did not meet the statistical confidence thresholds required to predict the impact of this variant on SPTBN2 protein function. In summary, the available evidence is currently insufficient to determine the role of this variant in disease. Therefore, it has been classified as a Variant of Uncertain Significance.